The following is an entry in ClinVar:

NM_000199.5(SGSH):c.1414del (p.Gln472fs)

Gene: SGSH (N-sulfoglucosamine sulfohydrolase; minus strand). Cytogenetic location: 17q25.3.
Variant type: Deletion.
Coding change: c.1414del on transcript NM_000199.5 (MANE Select); coding-DNA position 1414, one base deleted (C; older notation c.1414delC).
Protein change: p.Gln472fs; shifts the reading frame from glutamine 472.
Molecular consequence: frameshift variant. On other transcripts: 3 prime UTR variant (2), non-coding transcript variant (1).
Genome position (GRCh38, 1-based): chr17:80,210,547, G deleted on the plus strand (C on the coding strand, the reverse complement: SGSH is on the minus strand). VCF-style (leftmost placement, unchanged base first): chr17-80210546-TG-T. GRCh37 (hg19) VCF-style: chr17-78184345-TG-T.
Other names: c.*501del (NM_001352921.3); c.*464del (NM_001352922.2); short protein forms Q472fs.
Identifiers: ClinVar variation 3776165 (VCV003776165.1).

ClinVar aggregate classification (germline): Uncertain significance (1 of 4 stars; one submission).

Conditions:
Mucopolysaccharidosis, MPS-III-A (MPS3A). Also called: HEPARAN SULFATE SULFATASE DEFICIENCY; SANFILIPPO SYNDROME A; SULFAMIDASE DEFICIENCY; MPS III A; Mucopolysaccharidosis type IIIA (Sanfilippo A); Mucopolysaccharidosis, type IIIA. Identifiers: Orphanet 581, Orphanet 79269, MedGen C0086647, MONDO:0009655, OMIM 252900.

Submission:

3billion
Classification: Uncertain significance for Mucopolysaccharidosis, MPS-III-A. Last evaluated: 2023-11-15. Review status: criteria provided, single submitter. Criteria: ACMG Guidelines, 2015. Collection method: clinical testing. Allele origin: germline. Affected: yes.
Comment: The variant is not observed in the gnomAD v2.1.1 dataset. Predicted Consequence/Location: Frameshift: predicted to result in a loss or disruption of normal protein function through protein truncation. The predicted truncated protein may be shortened by less than 10%. Therefore, this variant is classified as VUS according to the recommendation of ACMG/AMP guideline.